The following is an entry in ClinVar:

NM_004991.4(MECOM):c.2335A>T (p.Ser779Cys)

Gene: MECOM (MDS1 and EVI1 complex locus; minus strand). Cytogenetic location: 3q26.2.
Variant type: single nucleotide variant.
Coding change: c.2335A>T on transcript NM_004991.4 (MANE Select); coding-DNA position 2335, A replaced by T.
Protein change: p.Ser779Cys; replaces serine 779 with cysteine.
Molecular consequence: missense variant.
Genome position (GRCh38, 1-based): chr3:169,115,537, T>A on the plus strand (A>T on the coding strand, the complement: MECOM is on the minus strand). VCF-style: chr3-169115537-T-A. GRCh37 (hg19) VCF-style: chr3-168833325-T-A.
Other names: c.2335A>T (NM_004991.3); c.1966A>T, p.Ser656Cys (NM_001105077.4); c.1771A>T, p.Ser591Cys (NM_001105078.4, NM_001164000.2, NM_001205194.2 and 4 more transcripts); c.1774A>T, p.Ser592Cys (NM_001163999.2, NM_001366467.2, NM_001366468.2 and 1 more transcripts); c.2335A>T, p.Ser779Cys (NM_001366466.2); c.1363A>T, p.Ser455Cys (NM_001366473.2); c.799A>T, p.Ser267Cys (NM_001366474.2); short protein forms S455C, S656C, S267C, S591C, S592C, S779C.
Identifiers: ClinVar variation 1978281 (VCV001978281.5), dbSNP rs747839563, ClinGen allele CA87592062.

ClinVar aggregate classification (germline): Uncertain significance. Review status: criteria provided, multiple submitters, no conflicts (2 of 4 stars). 2 submissions from 2 submitters: Uncertain significance (2). Last evaluated 2025-01-09.

Conditions:
Inborn genetic diseases. Identifiers: MedGen C0950123, MeSH D030342.

Allele frequency attached by ClinVar (database versions not stated): gnomAD 0.00003.
gnomAD v4.1: 8 of 1,614,040 alleles (0.0005%); highest among the groups gnomAD compares: Admixed American, 0.013%; no homozygotes.

Submissions (2):

Ambry Genetics
Classification: Uncertain significance for Inborn genetic diseases. Last evaluated: 2025-01-09. Review status: criteria provided, single submitter. Criteria: Ambry Variant Classification Scheme 2023. Collection method: clinical testing. Allele origin: germline.
Comment: The p.S779C variant (also known as c.2335A>T), located in coding exon 8 of the MECOM gene, results from an A to T substitution at nucleotide position 2335. The serine at codon 779 is replaced by cysteine, an amino acid with dissimilar properties. This amino acid position is conserved. In addition, this alteration is predicted to be tolerated by in silico analysis. Based on the available evidence, the clinical significance of this variant remains unclear.

Labcorp Genetics (formerly Invitae), Labcorp
Classification: Uncertain significance. Last evaluated: 2024-07-29. Review status: criteria provided, single submitter. Criteria: Invitae Variant Classification Sherloc (09022015). Collection method: clinical testing. Allele origin: germline.
Comment: This sequence change replaces serine, which is neutral and polar, with cysteine, which is neutral and slightly polar, at codon 591 of the MECOM protein (p.Ser591Cys). This variant is not present in population databases (gnomAD no frequency). This variant has not been reported in the literature in individuals affected with MECOM-related conditions. ClinVar contains an entry for this variant (Variation ID: 1978281). An algorithm developed to predict the effect of missense changes on protein structure and function (PolyPhen-2) suggests that this variant is likely to be disruptive. In summary, the available evidence is currently insufficient to determine the role of this variant in disease. Therefore, it has been classified as a Variant of Uncertain Significance.